The following is an entry in ClinVar:

ClinVar aggregate classification (germline): Conflicting classifications of pathogenicity. Review status: criteria provided, conflicting classifications (1 of 4 stars). 2 submissions from 2 submitters: Uncertain significance (1); Likely benign (1). Last evaluated 2025-11-27.

Conditions:
Inborn genetic diseases. Identifiers: MedGen C0950123, MeSH D030342.

Allele frequency attached by ClinVar (database versions not stated): ExAC 0.00007; gnomAD exomes 0.00002.
gnomAD v4.1: 14 of 1,614,094 alleles (0.00087%); highest among the groups gnomAD compares: Admixed American, 0.022%; no homozygotes.

Submissions (2):

Labcorp Genetics (formerly Invitae), Labcorp
Classification: Uncertain significance. Last evaluated: 2025-11-27. Review status: criteria provided, single submitter. Criteria: Invitae Variant Classification Sherloc (09022015). Collection method: clinical testing. Allele origin: germline.
Comment: This sequence change replaces glutamic acid, which is acidic and polar, with aspartic acid, which is acidic and polar, at codon 67 of the MBD4 protein (p.Glu67Asp). This variant is present in population databases (rs751629274, gnomAD 0.03%). This variant has not been reported in the literature in individuals affected with MBD4-related conditions. ClinVar contains an entry for this variant (Variation ID: 2888153). An algorithm developed to predict the effect of missense changes on protein structure and function (PolyPhen-2) suggests that this variant is likely to be disruptive. In summary, the available evidence is currently insufficient to determine the role of this variant in disease. Therefore, it has been classified as a Variant of Uncertain Significance.

Ambry Genetics
Classification: Likely benign for Inborn genetic diseases. Last evaluated: 2024-10-17. Review status: criteria provided, single submitter. Criteria: Ambry Variant Classification Scheme 2023. Collection method: clinical testing. Allele origin: germline.

NM_001276270.2(MBD4):c.201A>T (p.Glu67Asp)

Gene: MBD4 (methyl-CpG binding domain 4, DNA glycosylase; minus strand). Cytogenetic location: 3q21.3.
Variant type: single nucleotide variant.
Coding change: c.201A>T on transcript NM_001276270.2 (MANE Select); coding-DNA position 201, A replaced by T.
Protein change: p.Glu67Asp; replaces glutamic acid 67 with aspartic acid.
Molecular consequence: missense variant.
Genome position (GRCh38, 1-based): chr3:129,437,854, T>A on the plus strand (A>T on the coding strand, the complement: MBD4 is on the minus strand). VCF-style: chr3-129437854-T-A. GRCh37 (hg19) VCF-style: chr3-129156697-T-A.
Other names: c.201A>T, p.Glu67Asp (NM_001276271.2, NM_001276272.2, NM_001276273.2 and 1 more transcripts); short protein forms E67D.
Identifiers: ClinVar variation 2888153 (VCV002888153.4), dbSNP rs751629274, ClinGen allele CA2605588.